The following is an entry in ClinVar:

NM_001244008.2(KIF1A):c.799-5C>T

Gene: KIF1A (kinesin family member 1A; minus strand). Cytogenetic location: 2q37.3.
Variant type: single nucleotide variant.
Coding change: c.799-5C>T on transcript NM_001244008.2 (MANE Select); 5 bases into the intron before coding-DNA position 799, C replaced by T.
Molecular consequence: intron variant.
Genome position (GRCh38, 1-based): chr2:240,783,114, G>A on the plus strand (C>T on the coding strand, the complement: KIF1A is on the minus strand). VCF-style: chr2-240783114-G-A. GRCh37 (hg19) VCF-style: chr2-241722531-G-A.
Other names: c.799-5C>T (NM_001379653.1, NM_001379650.1, NM_001379645.1 and 21 more transcripts).
Identifiers: ClinVar variation 1344387 (VCV001344387.14), dbSNP rs1328471853, ClinGen allele CA540532048.

ClinVar aggregate classification (germline): Conflicting classifications of pathogenicity. Review status: criteria provided, conflicting classifications (1 of 4 stars). 4 submissions from 4 submitters: Uncertain significance (1); Likely benign (2). 1 of the submissions does not count toward it. Last evaluated 2025-06-09.

Conditions:
KIF1A-related disorder. Also called: KIF1A-related disorders; KIF1A-related condition.
Neuropathy, hereditary sensory, type 2C. Also called: Hereditary sensory and autonomic neuropathy type IIC; KIF1A-Related HSAN2 (HSAN2C). Identifiers: Orphanet 970, MedGen C3280168, MONDO:0013634, OMIM 614213.
Intellectual disability, autosomal dominant 9 (NESCAVS). Also called: NESCAV SYNDROME; KIF1A-Related Neurodevelopmental Disorder. Identifiers: Orphanet 662367, MedGen C5393830, MONDO:0013656, OMIM 614255.
Hereditary spastic paraplegia 30. Identifiers: Orphanet 101010, MedGen C5235139, MONDO:0012476.
Hereditary spastic paraplegia. Also called: Familial spastic paraparesis. Identifiers: Orphanet 685, MedGen C0037773, MONDO:0019064. Disease mechanism: loss of function.

Allele frequency attached by ClinVar (database versions not stated): gnomAD exomes 0.00001.
gnomAD v4.1: 14 of 1,612,680 alleles (0.00087%); highest among the groups gnomAD compares: East Asian, 0.0045%; no homozygotes.

Submissions (4):

Labcorp Genetics (formerly Invitae), Labcorp
Classification: Likely benign for Hereditary spastic paraplegia 30; Neuropathy, hereditary sensory, type 2C; Intellectual disability, autosomal dominant 9. Last evaluated: 2025-06-09. Review status: criteria provided, single submitter. Criteria: Invitae Variant Classification Sherloc (09022015). Collection method: clinical testing. Allele origin: germline.

Blueprint Genetics
Classification: Likely benign. Last evaluated: 2024-09-17. Review status: criteria provided, single submitter. Criteria: ACMG Guidelines, 2015. Collection method: clinical testing. Allele origin: germline.

Genome Diagnostics Laboratory, The Hospital for Sick Children
Classification: Uncertain significance for Hereditary spastic paraplegia. Last evaluated: 2016-12-12. Review status: criteria provided, single submitter. Criteria: ACMG Guidelines, 2015. Collection method: clinical testing. Allele origin: germline. Affected: yes.

PreventionGenetics, part of Exact Sciences
Classification: Likely benign for KIF1A-related condition. Last evaluated: 2019-03-27. Review status: no assertion criteria provided. Collection method: clinical testing. Allele origin: germline. Not counted in ClinVar's aggregate classification.
Comment: This variant is classified as likely benign based on ACMG/AMP sequence variant interpretation guidelines (Richards et al. 2015 PMID: 25741868, with internal and published modifications).